The following is an entry in ClinVar:

ClinVar aggregate classification (germline): Pathogenic (1 of 4 stars; one submission).

Submission:

Foulkes Cancer Genetics LDI, Lady Davis Institute for Medical Research
Classification: Pathogenic. Last evaluated: 2019-07-01. Review status: criteria provided, single submitter. Criteria: ACMG Guidelines, 2015. Collection method: curation. Allele origin: somatic. Affected: yes. Observed: 1 variant allele.
Comment: ACMG criteria met: PVS1, PM2, PP3

Literature cited by the submitters: PubMed 22187960.

NM_177438.3(DICER1):c.5492G>A (p.Trp1831Ter)

Gene: DICER1 (dicer 1, ribonuclease III; minus strand). Cytogenetic location: 14q32.13.
Variant type: single nucleotide variant.
Coding change: c.5492G>A on transcript NM_177438.3 (MANE Select); coding-DNA position 5492, G replaced by A.
Protein change: p.Trp1831Ter; replaces tryptophan 1831 with a stop codon.
Molecular consequence: nonsense. On other transcripts: intron variant (1).
Genome position (GRCh38, 1-based): chr14:95,091,238, C>T on the plus strand (G>A on the coding strand, the complement: DICER1 is on the minus strand). VCF-style: chr14-95091238-C-T. GRCh37 (hg19) VCF-style: chr14-95557575-C-T.
Other names: c.5492G>A, p.Trp1831Ter (NM_001271282.3, NM_001291628.2, NM_030621.4); c.5365-129G>A (NM_001195573.1); short protein forms W1831*.
Identifiers: ClinVar variation 933129 (VCV000933129.2), dbSNP rs1889794873, ClinGen allele CA390864535.